The following is an entry in ClinVar:

ClinVar aggregate classification (germline): Benign. Review status: criteria provided, multiple submitters, no conflicts (2 of 4 stars). 5 submissions from 4 submitters: Benign (5). Last evaluated 2021-07-10.

Conditions:
Autosomal recessive nonsyndromic hearing loss 18A. Also called: Deafness, autosomal recessive 18A; DEAFNESS, AUTOSOMAL RECESSIVE 18. Identifiers: Orphanet 90636, MedGen C1865870, MONDO:0011192, OMIM 602092.
Usher syndrome type 1C. Also called: USHER SYNDROME, TYPE I, ACADIAN VARIETY. Identifiers: Orphanet 231169, Orphanet 886, MedGen C1848604, MONDO:0010171, OMIM 276904.

Allele frequency attached by ClinVar (database versions not stated): gnomAD exomes 0.13604 and 0.16196; ExAC 0.16359; gnomAD 0.16591 and 0.16783; ESP Exome Variant Server 0.17134; TOPMed 0.17595; 1000 Genomes Project 0.19988; 1000 Genomes Project 30x 0.20159.
gnomAD v4.1: 207,947 of 1,487,244 alleles (14%); highest among the groups gnomAD compares: African/African-American, 27%; 16,781 homozygotes.

Submissions (5):

Genome-Nilou Lab
Classification: Benign for Usher syndrome type 1C. Last evaluated: 2021-07-10. Review status: criteria provided, single submitter. Criteria: ACMG Guidelines, 2015. Collection method: clinical testing. Allele origin: germline. Affected: no.

Genome-Nilou Lab
Classification: Benign for Autosomal recessive nonsyndromic hearing loss 18A. Last evaluated: 2021-07-10. Review status: criteria provided, single submitter. Criteria: ACMG Guidelines, 2015. Collection method: clinical testing. Allele origin: germline. Affected: no.

GeneDx
Classification: Benign. Last evaluated: 2018-06-14. Review status: criteria provided, single submitter. Criteria: GeneDx Variant Classification (06012015). Collection method: clinical testing. Allele origin: germline. Affected: yes.
Comment: This variant is considered likely benign or benign based on one or more of the following criteria: it is a conservative change, it occurs at a poorly conserved position in the protein, it is predicted to be benign by multiple in silico algorithms, and/or has population frequency not consistent with disease.

Breakthrough Genomics
Classification: Benign. Review status: criteria provided, single submitter. Criteria: ACMG Guidelines, 2015. Collection method: not provided. Allele origin: germline. Inheritance: Autosomal recessive inheritance. Affected: yes.

PreventionGenetics, part of Exact Sciences
Classification: Benign. Review status: criteria provided, single submitter. Criteria: ACMG Guidelines, 2015. Collection method: clinical testing. Allele origin: germline.

NM_153676.4(USH1C):c.1414-34G>A

Gene: USH1C (USH1 protein network component harmonin; minus strand). Cytogenetic location: 11p15.1.
Variant type: single nucleotide variant.
Coding change: c.1414-34G>A on transcript NM_153676.4 (MANE Select); 34 bases into the intron before coding-DNA position 1414, G replaced by A.
Molecular consequence: intron variant.
Genome position (GRCh38, 1-based): chr11:17,510,555, C>T on the plus strand (G>A on the coding strand, the complement: USH1C is on the minus strand). VCF-style: chr11-17510555-C-T. GRCh37 (hg19) VCF-style: chr11-17532102-C-T.
Other names: c.1227+6846G>A (NM_001297764.2); c.1284+6846G>A (NM_005709.4).
Identifiers: ClinVar variation 262731 (VCV000262731.6), dbSNP rs2237964, ClinGen allele CA5904571.